The following is an entry in ClinVar:

NM_002900.3(RBP3):c.3389G>C (p.Gly1130Ala)

Gene: RBP3 (retinol binding protein 3; plus strand). Cytogenetic location: 10q11.22.
Variant type: single nucleotide variant.
Coding change: c.3389G>C on transcript NM_002900.3 (MANE Select); coding-DNA position 3389, G replaced by C.
Protein change: p.Gly1130Ala; replaces glycine 1130 with alanine.
Molecular consequence: missense variant.
Genome position (GRCh38, 1-based): chr10:47,357,102, G>C. VCF-style: chr10-47357102-G-C. GRCh37 (hg19) VCF-style: chr10-48382260-C-G.
Other names: short protein forms G1130A.
Identifiers: ClinVar variation 1488323 (VCV001488323.8), dbSNP rs1370633273, ClinGen allele CA376677109.

ClinVar aggregate classification (germline): Uncertain significance (1 of 4 stars; one submission).

Allele frequency attached by ClinVar (database versions not stated): gnomAD exomes below 0.00001.
gnomAD v4.1: 1 of 1,609,568 alleles (0.000062%); highest among the groups gnomAD compares: Non-Finnish European, 0.000085%; no homozygotes.

Submission:

Labcorp Genetics (formerly Invitae), Labcorp
Classification: Uncertain significance. Last evaluated: 2021-02-21. Review status: criteria provided, single submitter. Criteria: Invitae Variant Classification Sherloc (09022015). Collection method: clinical testing. Allele origin: germline.
Comment: Algorithms developed to predict the effect of missense changes on protein structure and function are either unavailable or do not agree on the potential impact of this missense change (SIFT: "Deleterious"; PolyPhen-2: "Probably Damaging"; Align-GVGD: "Class C0"). This sequence change replaces glycine with alanine at codon 1130 of the RBP3 protein (p.Gly1130Ala). The glycine residue is highly conserved and there is a small physicochemical difference between glycine and alanine. This variant is not present in population databases (ExAC no frequency). This variant has not been reported in the literature in individuals with RBP3-related conditions. Algorithms developed to predict the effect of sequence changes on RNA splicing suggest that this variant may disrupt the consensus splice site, but this prediction has not been confirmed by published transcriptional studies. In summary, the available evidence is currently insufficient to determine the role of this variant in disease. Therefore, it has been classified as a Variant of Uncertain Significance.